The following is an entry in ClinVar:

NM_021098.3(CACNA1H):c.1808G>C (p.Arg603Thr)

Gene: CACNA1H (calcium voltage-gated channel subunit alpha1 H; plus strand). Cytogenetic location: 16p13.3.
Variant type: single nucleotide variant.
Coding change: c.1808G>C on transcript NM_021098.3 (MANE Select); coding-DNA position 1808, G replaced by C.
Protein change: p.Arg603Thr; replaces arginine 603 with threonine.
Molecular consequence: missense variant.
Genome position (GRCh38, 1-based): chr16:1,202,258, G>C. VCF-style: chr16-1202258-G-C. GRCh37 (hg19) VCF-style: chr16-1252258-G-C.
Other names: c.1808G>C, p.Arg603Thr (NM_001005407.2); short protein forms R603T.
Identifiers: ClinVar variation 957166 (VCV000957166.7), dbSNP rs61747577, ClinGen allele CA394162485.

ClinVar aggregate classification (germline): Uncertain significance (1 of 4 stars; one submission).

Conditions:
Idiopathic generalized epilepsy. Also called: EIG; Generalised epilepsy. Identifiers: MedGen C0270850, MONDO:0005579, OMIM 600669.
Hyperaldosteronism, familial, type IV (HALD4). Also called: FH IV; ALDOSTERONISM, PRIMARY, AND HYPERTENSION. Identifiers: Orphanet 642671, MedGen C4310756, MONDO:0014875, OMIM 617027.

Allele frequency attached by ClinVar (database versions not stated): gnomAD exomes below 0.00001; gnomAD 0.00001; TOPMed 0.00001.

Submission:

Labcorp Genetics (formerly Invitae), Labcorp
Classification: Uncertain significance for Idiopathic generalized epilepsy; Hyperaldosteronism, familial, type IV. Last evaluated: 2024-03-27. Review status: criteria provided, single submitter. Criteria: Invitae Variant Classification Sherloc (09022015). Collection method: clinical testing. Allele origin: germline.
Comment: This sequence change replaces arginine, which is basic and polar, with threonine, which is neutral and polar, at codon 603 of the CACNA1H protein (p.Arg603Thr). This variant is not present in population databases (gnomAD no frequency). This variant has not been reported in the literature in individuals affected with CACNA1H-related conditions. ClinVar contains an entry for this variant (Variation ID: 957166). Advanced modeling of protein sequence and biophysical properties (such as structural, functional, and spatial information, amino acid conservation, physicochemical variation, residue mobility, and thermodynamic stability) performed at Invitae indicates that this missense variant is not expected to disrupt CACNA1H protein function with a negative predictive value of 80%. In summary, the available evidence is currently insufficient to determine the role of this variant in disease. Therefore, it has been classified as a Variant of Uncertain Significance.